The following is an entry in ClinVar:

ClinVar aggregate classification (germline): Likely pathogenic (1 of 4 stars; one submission).

Conditions:
Lissencephaly type 1 due to doublecortin gene mutation. Also called: LISSENCEPHALY, X-LINKED, 1; LISSENCEPHALY AND AGENESIS OF CORPUS CALLOSUM. Identifiers: Orphanet 2148, MedGen C4551968, MONDO:0010239, OMIM 300067.

Submission:

Juno Genomics, Hangzhou Juno Genomics, Inc
Classification: Likely pathogenic for Lissencephaly type 1 due to doublecortin gene mutation. Review status: criteria provided, single submitter. Criteria: ACMG Guidelines, 2015. Collection method: clinical testing. Allele origin: germline. Affected: yes.
Comment: Null variant in a gene where loss of function (LOF) is a known mechanism of disease.;Absent from controls (or at extremely low frequency if recessive) in Genome Aggregation Database, Exome Sequencing Project, 1000 Genomes Project, or Exome Aggregation Consortium.

NM_001195553.2(DCX):c.705_705+12del

Gene: DCX (doublecortin; minus strand). Cytogenetic location: Xq23.
Variant type: Deletion.
Coding change: c.705_705+12del on transcript NM_001195553.2 (MANE Select); coding-DNA position 705 through 12 bases into the intron after coding-DNA position 705, 13 bases deleted (GGTAGGTACTTTT).
Molecular consequence: splice donor variant.
Genome position (GRCh38, 1-based): chrX:111,400,978-111,400,990, AAAAGTACCTACC deleted on the plus strand (GGTAGGTACTTTT on the coding strand, the reverse complement: DCX is on the minus strand). VCF-style (leftmost placement, unchanged base first): chrX-111400977-AAAAAGTACCTACC-A. GRCh37 (hg19) VCF-style: chrX-110644205-AAAAAGTACCTACC-A.
Other names: c.705_705+12del (NM_001369373.1, NM_178153.3, NM_001369372.1 and 6 more transcripts); c.948_948+12del (NM_000555.3).
Identifiers: ClinVar variation 3383048 (VCV003383048.2).
Genomic context (GRCh38, chrX:111,400,977, plus strand): 5'-TGATATTTTAGGTATAACATGATCATCTAAGAATTTAGAAAAAACGGGAAAAGTACTTTG[AAAAAGTACCTACC>A]TGTTTTCCATCCAGAGTGTAGAGTTTTTTGACAACCCCGGTCTCCAGTTTGATGGCTTCT-3'